The following is an entry in ClinVar:

NM_000277.3(PAH):c.368G>T (p.Arg123Ile)

Gene: PAH (phenylalanine hydroxylase; minus strand). Cytogenetic location: 12q23.2.
Variant type: single nucleotide variant.
Coding change: c.368G>T on transcript NM_000277.3 (MANE Select); coding-DNA position 368, G replaced by T.
Protein change: p.Arg123Ile; replaces arginine 123 with isoleucine.
Molecular consequence: missense variant.
Genome position (GRCh38, 1-based): chr12:102,877,535, C>A on the plus strand (G>T on the coding strand, the complement: PAH is on the minus strand). VCF-style: chr12-102877535-C-A. GRCh37 (hg19) VCF-style: chr12-103271313-C-A.
Other names: NM_000277.2(PAH):c.368G>T; c.368G>T, p.Arg123Ile (NM_001354304.2); short protein forms R123I.
Identifiers: ClinVar variation 102658 (VCV000102658.8), dbSNP rs199475681, ClinGen allele CA286501.

ClinVar aggregate classification (germline): Uncertain significance. Review status: reviewed by expert panel (3 of 4 stars). 5 submissions from 5 submitters: Uncertain significance (1). 4 of the submissions do not count toward it. Last evaluated 2018-12-10.

Conditions:
Phenylketonuria (PKU). Also called: Phenylketonuria (PKU); FOLLING DISEASE; OLIGOPHRENIA PHENYLPYRUVICA; Phenylketonurias. Identifiers: Orphanet 716, MedGen C0031485, MONDO:0009861, OMIM 261600. Disease mechanism: loss of function.

Submissions (5):

ClinGen PAH Variant Curation Expert Panel
Classification: Uncertain significance for Phenylketonuria. Last evaluated: 2018-12-10. Review status: reviewed by expert panel. Criteria: ClinGen PAH ACMG Specifications v1. Collection method: curation. Allele origin: germline. Inheritance: Autosomal recessive inheritance.
Comment: The c.368G>T (p.Arg123Ile) variant in PAH has not been reported in the literature to our knowledge. A reference listed in BioPKU/PAHdb cannot be located (Carducci, C 2009). This variant is absent from ExAC, gnomAD, 1000G, and ESP. Deleterious effect is predicted in SIFT, Polyphen2, MutationTaster. REVEL=0.864. In summary, this variant meets criteria to be classified as uncertain significance for PAH. PAH-specific ACMG/AMP criteria applied: PM2, PP3.

Myriad Genetics, Inc.
Classification: Uncertain significance for Phenylketonuria. Last evaluated: 2026-06-09. Review status: criteria provided, single submitter. Criteria: Myriad Autosomal Dominant, Autosomal Recessive and X-Linked Classification Criteria (2023). Collection method: clinical testing. Allele origin: unknown. Not counted in ClinVar's aggregate classification.
Comment: NM_000277.1(PAH):c.368G>T(R123I) is a missense variant classified as a variant of uncertain significance in the context of phenylalanine hydroxylase deficiency. R123I has been observed in cases with relevant disease (PMID: 32668217, Fiori_2001_(Abstract)). Relevant functional assessments of this variant are not available in the literature. R123I has not been observed in referenced population frequency databases. In summary, there is insufficient evidence to classify NM_000277.1(PAH):c.368G>T(R123I) as pathogenic or benign. Please note: this variant was assessed in the context of healthy population screening.

Labcorp Genetics (formerly Invitae), Labcorp
Classification: Uncertain significance for Phenylketonuria. Last evaluated: 2021-08-24. Review status: criteria provided, single submitter. Criteria: Invitae Variant Classification Sherloc (09022015). Collection method: clinical testing. Allele origin: germline. Not counted in ClinVar's aggregate classification.

Counsyl
Classification: Uncertain significance for Phenylketonuria. Last evaluated: 2017-04-11. Review status: no assertion criteria provided. Collection method: clinical testing. Allele origin: unknown. Not counted in ClinVar's aggregate classification.

DeBelle Laboratory for Biochemical Genetics, MUHC/MCH RESEARCH INSTITUTE
No classification provided. Review status: no classification provided. Collection method: not provided. Allele origin: not provided. Not counted in ClinVar's aggregate classification.